The following is an entry in ClinVar:

NM_000834.5(GRIN2B):c.4115T>C (p.Met1372Thr)

Gene: GRIN2B (glutamate ionotropic receptor NMDA type subunit 2B; minus strand). Cytogenetic location: 12p13.1.
Variant type: single nucleotide variant.
Coding change: c.4115T>C on transcript NM_000834.5 (MANE Select); coding-DNA position 4115, T replaced by C.
Protein change: p.Met1372Thr; replaces methionine 1372 with threonine.
Molecular consequence: missense variant.
Genome position (GRCh38, 1-based): chr12:13,563,123, A>G on the plus strand (T>C on the coding strand, the complement: GRIN2B is on the minus strand). VCF-style: chr12-13563123-A-G. GRCh37 (hg19) VCF-style: chr12-13716057-A-G.
Other names: c.4115T>C, p.Met1372Thr (NM_001413992.1); short protein forms M1372T.
Identifiers: ClinVar variation 3753850 (VCV003753850.2).

ClinVar aggregate classification (germline): Uncertain significance (1 of 4 stars; one submission).

Conditions:
Developmental and epileptic encephalopathy, 27 (DEE27). Also called: Epileptic encephalopathy, early infantile, 27; GRIN2B-Related Neurodevelopmental Disorder. Identifiers: Orphanet 3451, MedGen C4015316, MONDO:0014505, OMIM 616139.
Intellectual developmental disorder, autosomal dominant 6, with or without seizures. Also called: Intellectual disability, autosomal dominant 6; GRIN2B-related developmental delay, intellectual disability and autism spectrum disorder. Identifiers: Orphanet 589547, MedGen C3151411, MONDO:0013509, OMIM 613970.

Submission:

Labcorp Genetics (formerly Invitae), Labcorp
Classification: Uncertain significance for Developmental and epileptic encephalopathy, 27; Intellectual developmental disorder, autosomal dominant 6, with or without seizures. Last evaluated: 2024-12-08. Review status: criteria provided, single submitter. Criteria: Invitae Variant Classification Sherloc (09022015). Collection method: clinical testing. Allele origin: germline.
Comment: This sequence change replaces methionine, which is neutral and non-polar, with threonine, which is neutral and polar, at codon 1372 of the GRIN2B protein (p.Met1372Thr). This variant is not present in population databases (gnomAD no frequency). This variant has not been reported in the literature in individuals affected with GRIN2B-related conditions. Invitae Evidence Modeling of protein sequence and biophysical properties (such as structural, functional, and spatial information, amino acid conservation, physicochemical variation, residue mobility, and thermodynamic stability) indicates that this missense variant is not expected to disrupt GRIN2B protein function with a negative predictive value of 95%. In summary, the available evidence is currently insufficient to determine the role of this variant in disease. Therefore, it has been classified as a Variant of Uncertain Significance.